The following is an entry in ClinVar:

ClinVar aggregate classification (germline): Uncertain significance (1 of 4 stars; one submission).

Allele frequency attached by ClinVar (database versions not stated): gnomAD exomes below 0.00001.
gnomAD v4.1: 1 of 1,614,062 alleles (0.000062%); highest among the groups gnomAD compares: Non-Finnish European, 0.000085%; no homozygotes.

Submission:

Labcorp Genetics (formerly Invitae), Labcorp
Classification: Uncertain significance. Last evaluated: 2023-05-05. Review status: criteria provided, single submitter. Criteria: Invitae Variant Classification Sherloc (09022015). Collection method: clinical testing. Allele origin: germline.
Comment: In summary, the available evidence is currently insufficient to determine the role of this variant in disease. Therefore, it has been classified as a Variant of Uncertain Significance. Advanced modeling of protein sequence and biophysical properties (such as structural, functional, and spatial information, amino acid conservation, physicochemical variation, residue mobility, and thermodynamic stability) performed at Invitae indicates that this missense variant is not expected to disrupt HOXD13 protein function. This variant has not been reported in the literature in individuals affected with HOXD13-related conditions. This variant is not present in population databases (gnomAD no frequency). This sequence change replaces aspartic acid, which is acidic and polar, with asparagine, which is neutral and polar, at codon 269 of the HOXD13 protein (p.Asp269Asn).

NM_000523.4(HOXD13):c.805G>A (p.Asp269Asn)

Gene: HOXD13 (homeobox D13; plus strand). Cytogenetic location: 2q31.1.
Variant type: single nucleotide variant.
Coding change: c.805G>A on transcript NM_000523.4 (MANE Select); coding-DNA position 805, G replaced by A.
Protein change: p.Asp269Asn; replaces aspartic acid 269 with asparagine.
Molecular consequence: missense variant.
Genome position (GRCh38, 1-based): chr2:176,094,503, G>A. VCF-style: chr2-176094503-G-A. GRCh37 (hg19) VCF-style: chr2-176959231-G-A.
Other names: short protein forms D269N.
Identifiers: ClinVar variation 2862225 (VCV002862225.3), dbSNP rs2468155688, ClinGen allele CA349353548.